The following is an entry in ClinVar:

NM_025114.4(CEP290):c.948T>G (p.Ile316Met)

Gene: CEP290 (centrosomal protein 290; minus strand). Cytogenetic location: 12q21.32.
Variant type: single nucleotide variant.
Coding change: c.948T>G on transcript NM_025114.4 (MANE Select); coding-DNA position 948, T replaced by G.
Protein change: p.Ile316Met; replaces isoleucine 316 with methionine.
Molecular consequence: missense variant.
Genome position (GRCh38, 1-based): chr12:88,126,433, A>C on the plus strand (T>G on the coding strand, the complement: CEP290 is on the minus strand). VCF-style: chr12-88126433-A-C. GRCh37 (hg19) VCF-style: chr12-88520210-A-C.
Other names: short protein forms I316M.
Identifiers: ClinVar variation 1371754 (VCV001371754.8), dbSNP rs767967987, ClinGen allele CA385983181.

ClinVar aggregate classification (germline): Uncertain significance (1 of 4 stars; one submission).

Conditions:
Joubert syndrome. Also called: CEREBELLOPARENCHYMAL DISORDER IV; JOUBERT-BOLTSHAUSER SYNDROME; Familial aplasia of the vermis. Identifiers: Orphanet 475, MedGen C5979921, MONDO:0018772.
Nephronophthisis. Also called: Juvenile Nephronophthisis. Identifiers: Orphanet 655, MedGen C0687120, MONDO:0019005, HP:0000090.
Meckel-Gruber syndrome. Also called: DYSENCEPHALIA SPLANCHNOCYSTICA; GRUBER SYNDROME; Dysencephalia splachnocystica. Identifiers: Orphanet 564, MedGen C0265215, MONDO:0018921.

Submission:

Labcorp Genetics (formerly Invitae), Labcorp
Classification: Uncertain significance for Joubert syndrome; Meckel-Gruber syndrome; Nephronophthisis. Last evaluated: 2022-06-13. Review status: criteria provided, single submitter. Criteria: Invitae Variant Classification Sherloc (09022015). Collection method: clinical testing. Allele origin: germline.
Comment: In summary, the available evidence is currently insufficient to determine the role of this variant in disease. Therefore, it has been classified as a Variant of Uncertain Significance. Algorithms developed to predict the effect of missense changes on protein structure and function are either unavailable or do not agree on the potential impact of this missense change (SIFT: "Deleterious"; PolyPhen-2: "Probably Damaging"; Align-GVGD: "Class C0"). This variant has not been reported in the literature in individuals affected with CEP290-related conditions. This variant is not present in population databases (gnomAD no frequency). This sequence change replaces isoleucine, which is neutral and non-polar, with methionine, which is neutral and non-polar, at codon 316 of the CEP290 protein (p.Ile316Met).